The following continues an entry in ClinVar:

NM_000059.4(BRCA2):c.2588dup (p.Asn863fs)

Gene: BRCA2. ClinVar aggregate classification (germline): Pathogenic. Pathogenic (1).

Submissions 11 to 21 of 21:

GeneDx
Classification: Pathogenic. Last evaluated: 2023-02-24. Review status: criteria provided, single submitter. Criteria: GeneDx Variant Classification Process June 2021. Collection method: clinical testing. Allele origin: germline. Affected: yes. Not counted in ClinVar's aggregate classification.
Comment: Frameshift variant predicted to result in protein truncation or nonsense mediated decay in a gene for which loss-of-function is a known mechanism of disease; Observed in multiple individuals with a personal and/or family history of BRCA2-related cancers (Tonin et al., 1998; Kanaan et al., 2003; Cavallone et al., 2010; Song et al., 2014; Rebbeck et al., 2018) and in an individual with Fanconi anemia (Wagner et al., 2004); Not observed at significant frequency in large population cohorts (gnomAD); Truncating variants in this gene are considered pathogenic by a well-established clinical consortium and/or database; Also known as 2816dupA and 2816insA; This variant is associated with the following publications: (PMID: 25863477, 29922827, 28888541, 11030417, 21324516, 9792861, 15382066, 16905680, 25884701, 10422801, 24728189, 15645491, 17851763, 24301060, 15070707, 15131399, 12942367, 9667259, 20694749, 17148771, 15004464, 16847550, 25428789, 30130155, 29446198, 30702160, 31825140, 30787465, 33471991)

Institute for Clinical Genetics, University Hospital TU Dresden, University Hospital TU Dresden
Classification: Pathogenic. Last evaluated: 2021-11-03. Review status: criteria provided, single submitter. Criteria: ACMG Guidelines, 2015. Collection method: clinical testing. Allele origin: germline. Not counted in ClinVar's aggregate classification.

CHEO Genetics Diagnostic Laboratory, Children's Hospital of Eastern Ontario
Classification: Pathogenic for Breast and/or ovarian cancer. Last evaluated: 2015-12-04. Review status: criteria provided, single submitter. Criteria: ACMG Guidelines, 2015. Collection method: clinical testing. Allele origin: germline. Study: Canadian Open Genetics Repository. Not counted in ClinVar's aggregate classification.

Consortium of Investigators of Modifiers of BRCA1/2 (CIMBA), c/o University of Cambridge
Classification: Pathogenic for Breast-ovarian cancer, familial, susceptibility to, 2. Last evaluated: 2015-10-02. Review status: criteria provided, single submitter. Criteria: CIMBA Mutation Classification guidelines May 2016. Collection method: clinical testing. Allele origin: germline. Not counted in ClinVar's aggregate classification.

Fulgent Genetics
Classification: Pathogenic for Breast-ovarian cancer, familial, susceptibility to, 2. Last evaluated: 2015-08-07. Review status: criteria provided, single submitter. Criteria: ACMG Guidelines, 2015. Collection method: clinical testing. Allele origin: unknown. Not counted in ClinVar's aggregate classification.

Imagene.me medical diagnostic laboratory, IMAGENE.ME SA
Classification: Pathogenic for Breast-ovarian cancer, familial, susceptibility to, 2. Review status: criteria provided, single submitter. Criteria: IMAGENE.ME Variant Classification SOP 2022. Collection method: clinical testing. Allele origin: germline. Not counted in ClinVar's aggregate classification.
Comment: Classified according to the IMAGENE.ME variant classification SOP based on the ACMG guidelines as Pathogenic (P).

Molecular Oncology, Hospital Universitario Central de Asturias (HUCA)
Classification: Pathogenic for Breast-ovarian cancer, familial, susceptibility to, 2. Last evaluated: 2021-05-24. Review status: no assertion criteria provided. Collection method: case-control. Allele origin: germline. Affected: yes. Not counted in ClinVar's aggregate classification.

Research Molecular Genetics Laboratory, Women's College Hospital, University of Toronto
Classification: Pathogenic for Hereditary breast ovarian cancer syndrome. Last evaluated: 2014-01-31. Review status: no assertion criteria provided. Collection method: research. Allele origin: germline. Affected: yes. Study: The Canadian Open Genetics Repository (COGR). Not counted in ClinVar's aggregate classification.

Sharing Clinical Reports Project (SCRP)
Classification: Pathogenic for Breast-ovarian cancer, familial 2. Last evaluated: 2012-05-01. Review status: no assertion criteria provided. Collection method: clinical testing. Allele origin: germline. Not counted in ClinVar's aggregate classification.

Breast Cancer Information Core (BIC) (BRCA2)
Classification: Pathogenic for Breast-ovarian cancer, familial 2. Last evaluated: 2002-05-29. Review status: no assertion criteria provided. Collection method: clinical testing. Allele origin: germline, unknown. Affected: yes. Observed: 11 variant alleles. Not counted in ClinVar's aggregate classification.

Department of Pathology and Laboratory Medicine, Sinai Health System
Classification: Pathogenic for Breast-ovarian cancer, familial, susceptibility to, 2. Review status: no assertion criteria provided. Collection method: clinical testing. Allele origin: unknown. Affected: yes. Observed: 2 variant alleles. Study: The Canadian Open Genetics Repository (COGR). Not counted in ClinVar's aggregate classification.
Comment: The p.Asn862LysfsX18 duplication variant has been previously reported in the literature in 2 of 2740 chromosomes from individuals with hereditary breast and or ovarian cancer (pancreatic cancer was also suspected in one family) (Gao 2000, Zhang 2011). The variant is also reported in the UMD (3x as causal) and BIC (11x as clinically important) databases. In addition, it was reported in 3/4403 chromosomes from the exome variant server database and in dbSNP (ID#:rs80359335) in individuals of African American ancestry, increasing the likelihood this variant may be present at low frequency in this population. The p.Asn862LysfsX18 variant is predicted to cause a frameshift, which alters the protein's amino acid sequence beginning at codon 862 and leads to a premature stop codon 18 amino acids downstream. This alteration is then predicted to result in a truncated or absent protein and loss of function. Loss of function variants are an established mechanism of hereditary breast and ovarian cancer for the BRCA2 gene. In summary, based on the above information, this variant is classified as pathogenic.

Literature cited by the submitters: PubMed 11030417 (cited by 4 submitters); PubMed 12942367 (cited by 3 submitters); PubMed 12048272 (cited by Women's Health and Genetics/Laboratory Corporation of America, LabCorp); PubMed 17148771 (cited by Women's Health and Genetics/Laboratory Corporation of America, LabCorp and Ambry Genetics); PubMed 9667259 (cited by Women's Health and Genetics/Laboratory Corporation of America, LabCorp and Ambry Genetics); PubMed 30130155 (cited by Women's Health and Genetics/Laboratory Corporation of America, LabCorp and Color Diagnostics, LLC DBA Color Health); PubMed 20104584 (cited by Labcorp Genetics (formerly Invitae), Labcorp); PubMed 15070707 (cited by 3 submitters); PubMed 21324516 (cited by 5 submitters); PubMed 24728189 (cited by 4 submitters); PubMed 20694749 (cited by 3 submitters); PubMed 24301060 (cited by Ambry Genetics); PubMed 25863477 (cited by Ambry Genetics and All of Us Research Program, National Institutes of Health); PubMed 29673794 (cited by Ambry Genetics and Quest Diagnostics Nichols Institute San Juan Capistrano); PubMed 30702160 (cited by Ambry Genetics); PubMed 31753525 (cited by Ambry Genetics); PubMed 33471991 (cited by Ambry Genetics); PubMed 9792861 (cited by 3 submitters); PubMed 16760289 (cited by Color Diagnostics, LLC DBA Color Health); PubMed 25428789 (cited by Color Diagnostics, LLC DBA Color Health); PubMed 8988179 (cited by All of Us Research Program, National Institutes of Health); PubMed 11897832 (cited by All of Us Research Program, National Institutes of Health); PubMed 29446198 (cited by All of Us Research Program, National Institutes of Health); PubMed 38922859 (cited by Molecular Oncology, Hospital Universitario Central de Asturias (HUCA)).